The following is an entry in ClinVar:

ClinVar aggregate classification (germline): Uncertain significance (1 of 4 stars; one submission).

Conditions:
Developmental and epileptic encephalopathy, 23 (DEE23). Also called: Epileptic encephalopathy, early infantile, 23. Identifiers: Orphanet 411986, MedGen C4014492, MONDO:0014371, OMIM 615859.

Submission:

Labcorp Genetics (formerly Invitae), Labcorp
Classification: Uncertain significance for Developmental and epileptic encephalopathy, 23. Last evaluated: 2021-09-01. Review status: criteria provided, single submitter. Criteria: Invitae Variant Classification Sherloc (09022015). Collection method: clinical testing. Allele origin: germline.
Comment: This sequence change replaces alanine with aspartic acid at codon 6 of the DOCK7 protein (p.Ala6Asp). The alanine residue is weakly conserved and there is a moderate physicochemical difference between alanine and aspartic acid. The frequency data for this variant in the population databases is considered unreliable, as metrics indicate insufficient coverage at this position in the ExAC database. This variant has not been reported in the literature in individuals affected with DOCK7-related conditions. Algorithms developed to predict the effect of missense changes on protein structure and function are either unavailable or do not agree on the potential impact of this missense change (SIFT: "Tolerated"; PolyPhen-2: "Probably Damaging"; Align-GVGD: "Class C0"). In summary, the available evidence is currently insufficient to determine the role of this variant in disease. Therefore, it has been classified as a Variant of Uncertain Significance.

NM_001367561.1(DOCK7):c.17C>A (p.Ala6Asp)

Genes: DOCK7 (dedicator of cytokinesis 7; minus strand), LOC129930655 (ATAC-STARR-seq lymphoblastoid silent region 946; plus strand). Cytogenetic location: 1p31.3.
Variant type: single nucleotide variant.
Coding change: c.17C>A on transcript NM_001367561.1 (MANE Select); coding-DNA position 17, C replaced by A.
Protein change: p.Ala6Asp; replaces alanine 6 with aspartic acid.
Molecular consequence: missense variant.
Genome position (GRCh38, 1-based): chr1:62,688,248, G>T on the plus strand (C>A on the coding strand, the complement: DOCK7 is on the minus strand). VCF-style: chr1-62688248-G-T. GRCh37 (hg19) VCF-style: chr1-63153919-G-T.
Other names: c.17C>A, p.Ala6Asp (NM_001271999.2, NM_001272000.2, NM_001272001.2 and 3 more transcripts); short protein forms A6D.
Identifiers: ClinVar variation 864188 (VCV000864188.7), dbSNP rs909614075, ClinGen allele CA340709087.